The following is an entry in ClinVar:

ClinVar aggregate classification (germline): Likely pathogenic (1 of 4 stars; one submission).

Conditions:
Rhizomelic limb shortening with dysmorphic features. Identifiers: MedGen C5394173, MONDO:0032935, OMIM 618821.

gnomAD v4.1: 4 of 1,612,810 alleles (0.00025%); highest among the groups gnomAD compares: East Asian, 0.0022%; no homozygotes.

Submission:

Dasa
Classification: Likely pathogenic for Rhizomelic limb shortening with dysmorphic features. Last evaluated: 2022-01-05. Review status: criteria provided, single submitter. Criteria: ACMG Guidelines, 2015. Collection method: clinical testing. Allele origin: germline. Affected: yes. Observed: 1 variant allele.
Comment: The variant creates a premature translational stop signal c.1127G>A;p.(Trp376*) in PKDCC gene. It is expected to result in an absent or disrupted protein product - PVS1.This variant is not present in population databases (rs369267445, gnomAD; ABraOM no frequency) - PM2. In summary, the currently available evidence indicates that the variant is likely pathogenic.

NM_138370.3(PKDCC):c.1127G>A (p.Trp376Ter)

Gene: PKDCC (protein kinase domain containing, cytoplasmic; plus strand). Cytogenetic location: 2p21.
Variant type: single nucleotide variant.
Coding change: c.1127G>A on transcript NM_138370.3 (MANE Select); coding-DNA position 1127, G replaced by A.
Protein change: p.Trp376Ter; replaces tryptophan 376 with a stop codon.
Molecular consequence: nonsense.
Genome position (GRCh38, 1-based): chr2:42,055,298, G>A. VCF-style: chr2-42055298-G-A. GRCh37 (hg19) VCF-style: chr2-42282438-G-A.
Other names: short protein forms W376*.
Identifiers: ClinVar variation 1334386 (VCV001334386.3), dbSNP rs369267445, ClinGen allele CA46360265.